The following is an entry in ClinVar:

ClinVar aggregate classification (germline): Benign (0 of 4 stars; one submission).

Conditions:
PRRG4-related disorder. Also called: PRRG4-related condition.

Allele frequency attached by ClinVar (database versions not stated): 1000 Genomes Project 30x 0.03919; 1000 Genomes Project 0.04093; TOPMed 0.05760; gnomAD 0.06128; ESP Exome Variant Server 0.06522; ExAC 0.06979; gnomAD exomes 0.08478.
gnomAD v4.1: 132,778 of 1,612,166 alleles (8.2%); highest among the groups gnomAD compares: Non-Finnish European, 9.2%; 6,237 homozygotes.

Submission:

PreventionGenetics, part of Exact Sciences
Classification: Benign for PRRG4-related condition. Last evaluated: 2019-11-26. Review status: no assertion criteria provided. Collection method: clinical testing. Allele origin: germline.
Comment: This variant is classified as benign based on ACMG/AMP sequence variant interpretation guidelines (Richards et al. 2015 PMID: 25741868, with internal and published modifications).

NM_024081.6(PRRG4):c.103+8C>T

Gene: PRRG4 (proline rich and Gla domain 4; plus strand). Cytogenetic location: 11p13.
Variant type: single nucleotide variant.
Coding change: c.103+8C>T on transcript NM_024081.6 (MANE Select); 8 bases into the intron after coding-DNA position 103, C replaced by T.
Molecular consequence: intron variant.
Genome position (GRCh38, 1-based): chr11:32,830,640, C>T. VCF-style: chr11-32830640-C-T. GRCh37 (hg19) VCF-style: chr11-32852186-C-T.
Identifiers: ClinVar variation 3056859 (VCV003056859.2), dbSNP rs61889490, ClinGen allele CA5935828.